The following is an entry in ClinVar:

ClinVar aggregate classification (germline): Uncertain significance (1 of 4 stars; one submission).

gnomAD v4.1: 2 of 1,374,582 alleles (0.00015%); highest among the groups gnomAD compares: Non-Finnish European, 0.00019%; no homozygotes.

Submission:

Labcorp Genetics (formerly Invitae), Labcorp
Classification: Uncertain significance. Last evaluated: 2024-08-12. Review status: criteria provided, single submitter. Criteria: Invitae Variant Classification Sherloc (09022015). Collection method: clinical testing. Allele origin: germline.
Comment: This sequence change replaces proline, which is neutral and non-polar, with serine, which is neutral and polar, at codon 542 of the EPS8L2 protein (p.Pro542Ser). This variant is not present in population databases (gnomAD no frequency). This variant has not been reported in the literature in individuals affected with EPS8L2-related conditions. ClinVar contains an entry for this variant (Variation ID: 1996902). An algorithm developed to predict the effect of missense changes on protein structure and function (PolyPhen-2) suggests that this variant is likely to be disruptive. In summary, the available evidence is currently insufficient to determine the role of this variant in disease. Therefore, it has been classified as a Variant of Uncertain Significance.

NM_022772.4(EPS8L2):c.1624C>T (p.Pro542Ser)

Genes: EPS8L2 (EPS8 signaling adaptor L2; plus strand), LOC130005080 (ATAC-STARR-seq lymphoblastoid silent region 3020; plus strand). Cytogenetic location: 11p15.5.
Variant type: single nucleotide variant.
Coding change: c.1624C>T on transcript NM_022772.4 (MANE Select); coding-DNA position 1624, C replaced by T.
Protein change: p.Pro542Ser; replaces proline 542 with serine.
Molecular consequence: missense variant.
Genome position (GRCh38, 1-based): chr11:725,791, C>T. VCF-style: chr11-725791-C-T. GRCh37 (hg19) VCF-style: chr11-725791-C-T.
Other names: short protein forms P542S.
Identifiers: ClinVar variation 1996902 (VCV001996902.4), dbSNP rs2494656723, ClinGen allele CA378974711.
Genomic context (GRCh38, chr11:725,791, plus strand): 5'-CTGGAGGACGGCCGGCAGTGGTGGAAGCTGCGCAGCCGCAGCGGCCAGGCGGGGTACGTG[C>T]CCTGCAACATCCTAGGCGAGGCGCGACCGGAGGACGCCGGCGCCCCGTTCGAGCAGGTGA-3'
Protein context (NP_073609.2, residues 532-552): RSRSGQAGYV[Pro542Ser]CNILGEARPE